The following is an entry in ClinVar:

ClinVar aggregate classification (germline): Uncertain significance. Review status: criteria provided, multiple submitters, no conflicts (2 of 4 stars). 2 submissions from 2 submitters: Uncertain significance (2). Last evaluated 2024-05-06.

gnomAD v4.1: 12 of 1,613,786 alleles (0.00074%); highest among the groups gnomAD compares: East Asian, 0.022%; no homozygotes.

Submissions (2):

Labcorp Genetics (formerly Invitae), Labcorp
Classification: Uncertain significance. Last evaluated: 2024-05-06. Review status: criteria provided, single submitter. Criteria: Invitae Variant Classification Sherloc (09022015). Collection method: clinical testing. Allele origin: germline.
Comment: This sequence change replaces histidine, which is basic and polar, with leucine, which is neutral and non-polar, at codon 570 of the AGAP1 protein (p.His570Leu). This variant is present in population databases (rs761981589, gnomAD 0.07%), and has an allele count higher than expected for a pathogenic variant. This variant has not been reported in the literature in individuals affected with AGAP1-related conditions. An algorithm developed to predict the effect of missense changes on protein structure and function (PolyPhen-2) suggests that this variant is likely to be tolerated. In summary, the available evidence is currently insufficient to determine the role of this variant in disease. Therefore, it has been classified as a Variant of Uncertain Significance.

Ambry Genetics
Classification: Uncertain significance. Last evaluated: 2024-04-16. Review status: criteria provided, single submitter. Criteria: Ambry Variant Classification Scheme 2023. Collection method: clinical testing. Allele origin: germline.

NM_001037131.3(AGAP1):c.1868A>T (p.His623Leu)

Gene: AGAP1 (ArfGAP with GTPase domain, ankyrin repeat and PH domain 1; plus strand). Cytogenetic location: 2q37.2.
Variant type: single nucleotide variant.
Coding change: c.1868A>T on transcript NM_001037131.3 (MANE Select); coding-DNA position 1868, A replaced by T.
Protein change: p.His623Leu; replaces histidine 623 with leucine.
Molecular consequence: missense variant.
Genome position (GRCh38, 1-based): chr2:236,040,818, A>T. VCF-style: chr2-236040818-A-T. GRCh37 (hg19) VCF-style: chr2-236949462-A-T.
Other names: c.1709A>T, p.His570Leu (NM_014914.5); short protein forms H570L, H623L.
Identifiers: ClinVar variation 3275062 (VCV003275062.3).